The following is an entry in ClinVar:

NM_001171613.2(PREPL):c.1665C>T (p.Asn555=)

Gene: PREPL (prolyl endopeptidase like; minus strand). Cytogenetic location: 2p21.
Variant type: single nucleotide variant.
Coding change: c.1665C>T on transcript NM_001171613.2 (MANE Select); coding-DNA position 1665, C replaced by T.
Protein change: p.Asn555=; no amino-acid change (asparagine 555 retained).
Molecular consequence: synonymous variant.
Genome position (GRCh38, 1-based): chr2:44,322,819, G>A on the plus strand (C>T on the coding strand, the complement: PREPL is on the minus strand). VCF-style: chr2-44322819-G-A. GRCh37 (hg19) VCF-style: chr2-44549958-G-A.
Other names: c.1746C>T, p.Asn582= (NM_001042385.2); c.1734C>T, p.Asn578= (NM_001042386.2); c.1932C>T, p.Asn644= (NM_001171603.1, NM_001171606.2, NM_001374275.1 and 2 more transcripts); c.1665C>T, p.Asn555= (NM_001171617.1, NM_001374277.1).
Identifiers: ClinVar variation 1160133 (VCV001160133.10), dbSNP rs375673588, ClinGen allele CA46525413.

ClinVar aggregate classification (germline): Likely benign. Review status: criteria provided, multiple submitters, no conflicts (2 of 4 stars). 2 submissions from 2 submitters: Likely benign (2). Last evaluated 2025-11-22.

Conditions:
PREPL-related disorder. Also called: PREPL-related condition.
Myasthenic syndrome, congenital, 22 (CMS22). Also called: PREPL DEFICIENCY. Identifiers: MedGen C4479088, MONDO:0044299, OMIM 616224.

Allele frequency attached by ClinVar (database versions not stated): gnomAD exomes 0.00001; gnomAD 0.00004 and 0.00005; ESP Exome Variant Server 0.00008; TOPMed 0.00008.
gnomAD v4.1: 28 of 1,613,520 alleles (0.0017%); highest among the groups gnomAD compares: Admixed American, 0.01%; no homozygotes.

Submissions (2):

PreventionGenetics, part of Exact Sciences
Classification: Likely benign for PREPL-related condition. Last evaluated: 2025-11-22. Review status: criteria provided, single submitter. Criteria: ACMG Guidelines, 2015. Collection method: clinical testing. Allele origin: germline.
Comment: This variant is classified as likely benign based on ACMG/AMP sequence variant interpretation guidelines (Richards et al. 2015 PMID: 25741868, with internal and published modifications).

Labcorp Genetics (formerly Invitae), Labcorp
Classification: Likely benign for Myasthenic syndrome, congenital, 22. Last evaluated: 2024-08-29. Review status: criteria provided, single submitter. Criteria: Invitae Variant Classification Sherloc (09022015). Collection method: clinical testing. Allele origin: germline.